The following is an entry in ClinVar:

ClinVar aggregate classification (germline): Conflicting classifications of pathogenicity. Review status: criteria provided, conflicting classifications (1 of 4 stars). 2 submissions from 2 submitters: Uncertain significance (1); Likely benign (1). Last evaluated 2026-06-23.

Conditions:
Hypercholesterolemia, autosomal dominant, type B (FHCL2). Also called: APOLIPOPROTEIN B-100, FAMILIAL DEFECTIVE; APOLIPOPROTEIN B-100, FAMILIAL LIGAND-DEFECTIVE; Familial Hypercholesterolemia Type B; HYPERCHOLESTEROLEMIA, FAMILIAL, DUE TO LIGAND-DEFECTIVE APOLIPOPROTEIN B; Familial hypercholesterolemia 2; APOB-Related Familial Hypercholesterolemia, Autosomal Dominant. Identifiers: MedGen C1704417, MONDO:0007751, OMIM 144010.
Familial hypobetalipoproteinemia 1. Also called: APOB-Related Familial Hypobetalipoproteinemia; Hypobetalipoproteinemia, normotriglyceridemic; Acanthocytosis with hypobetalipoproteinemia. Identifiers: MedGen C4551990, MONDO:0014252, OMIM 615558.

Allele frequency attached by ClinVar (database versions not stated): gnomAD 0.00002; TOPMed 0.00002; gnomAD exomes 0.00005; ESP Exome Variant Server 0.00008; ExAC 0.00011.
gnomAD v4.1: 57 of 1,613,766 alleles (0.0035%); highest among the groups gnomAD compares: Non-Finnish European, 0.002%; no homozygotes.

Submissions (2):

GeneDx
Classification: Uncertain significance. Last evaluated: 2026-06-23. Review status: criteria provided, single submitter. Criteria: GeneDx Variant Classification Process June 2021. Collection method: clinical testing. Allele origin: germline.
Comment: Previously reported in a patient with hypercholesterolemia (PMID: 37848354); In silico analysis suggests that this missense variant does not alter protein structure/function; This variant is associated with the following publications: (PMID: 37848354)

Labcorp Genetics (formerly Invitae), Labcorp
Classification: Likely benign for Familial hypobetalipoproteinemia 1; Hypercholesterolemia, autosomal dominant, type B. Last evaluated: 2023-08-04. Review status: criteria provided, single submitter. Criteria: Invitae Variant Classification Sherloc (09022015). Collection method: clinical testing. Allele origin: germline.

NM_000384.3(APOB):c.9721G>A (p.Glu3241Lys)

Gene: APOB (apolipoprotein B; minus strand). Cytogenetic location: 2p24.1.
Variant type: single nucleotide variant.
Coding change: c.9721G>A on transcript NM_000384.3 (MANE Select); coding-DNA position 9721, G replaced by A.
Protein change: p.Glu3241Lys; replaces glutamic acid 3241 with lysine.
Molecular consequence: missense variant.
Genome position (GRCh38, 1-based): chr2:21,007,147, C>T on the plus strand (G>A on the coding strand, the complement: APOB is on the minus strand). VCF-style: chr2-21007147-C-T. GRCh37 (hg19) VCF-style: chr2-21230019-C-T.
Other names: short protein forms E3241K.
Identifiers: ClinVar variation 404410 (VCV000404410.8), dbSNP rs139245086, ClinGen allele CA066802.